The following is an entry in ClinVar:

NM_025215.6(PUS1):c.821G>A (p.Arg274Gln)

Gene: PUS1 (pseudouridine synthase 1; plus strand). Cytogenetic location: 12q24.33.
Variant type: single nucleotide variant.
Coding change: c.821G>A on transcript NM_025215.6 (MANE Select); coding-DNA position 821, G replaced by A.
Protein change: p.Arg274Gln; replaces arginine 274 with glutamine.
Molecular consequence: missense variant.
Genome position (GRCh38, 1-based): chr12:131,941,568, G>A. VCF-style: chr12-131941568-G-A. GRCh37 (hg19) VCF-style: chr12-132426113-G-A.
Other names: c.737G>A, p.Arg246Gln (NM_001002019.3, NM_001002020.3); short protein forms R246Q, R274Q.
Identifiers: ClinVar variation 215037 (VCV000215037.12), dbSNP rs138561555, ClinGen allele CA322892.

ClinVar aggregate classification (germline): Uncertain significance. Review status: criteria provided, multiple submitters, no conflicts (2 of 4 stars). 4 submissions from 4 submitters: Uncertain significance (3). 1 of the submissions does not count toward it. Last evaluated 2022-07-06.

Conditions:
Myopathy, lactic acidosis, and sideroblastic anemia 1 (MLASA1). Identifiers: Orphanet 2598, MedGen C4551958, MONDO:0024553, OMIM 600462.
Inborn genetic diseases. Identifiers: MedGen C0950123, MeSH D030342.

Allele frequency attached by ClinVar (database versions not stated): ESP Exome Variant Server 0.00015; 1000 Genomes Project 0.00020; 1000 Genomes Project 30x 0.00031; TOPMed 0.00031; gnomAD 0.00037 and 0.00039.
gnomAD v4.1: 212 of 1,614,224 alleles (0.013%); highest among the groups gnomAD compares: African/African-American, 0.11%; no homozygotes.

Submissions (4):

Labcorp Genetics (formerly Invitae), Labcorp
Classification: Uncertain significance. Last evaluated: 2022-07-06. Review status: criteria provided, single submitter. Criteria: Invitae Variant Classification Sherloc (09022015). Collection method: clinical testing. Allele origin: germline.
Comment: This sequence change replaces arginine, which is basic and polar, with glutamine, which is neutral and polar, at codon 274 of the PUS1 protein (p.Arg274Gln). This variant is present in population databases (rs138561555, gnomAD 0.1%). This variant has not been reported in the literature in individuals affected with PUS1-related conditions. ClinVar contains an entry for this variant (Variation ID: 215037). Algorithms developed to predict the effect of missense changes on protein structure and function (SIFT, PolyPhen-2, Align-GVGD) all suggest that this variant is likely to be tolerated. Algorithms developed to predict the effect of sequence changes on RNA splicing suggest that this variant may create or strengthen a splice site. In summary, the available evidence is currently insufficient to determine the role of this variant in disease. Therefore, it has been classified as a Variant of Uncertain Significance.

Ambry Genetics
Classification: Uncertain significance for Inborn genetic diseases. Last evaluated: 2021-10-06. Review status: criteria provided, single submitter. Criteria: Ambry Variant Classification Scheme 2023. Collection method: clinical testing. Allele origin: germline.

ARUP Laboratories, Molecular Genetics and Genomics, ARUP Laboratories
Classification: Uncertain significance. Last evaluated: 2018-04-25. Review status: criteria provided, single submitter. Criteria: ARUP Molecular Germline Variant Investigation Process. Collection method: clinical testing. Allele origin: germline.
Comment: The PUS1 c.821G>A; p.Arg274Gln variant (rs138561555), to our knowledge, is not reported in the medical literature, gene specific variation databases, nor has it been previously identified by our laboratory. This variant is listed in the genome Aggregation Database (gnomAD) with an African population frequency of 0.1% (identified on 24 out of 24,038 chromosomes). The arginine at position 274 is moderately conserved, considering 11 species, and computational analyses of the effects of the p.Arg274Gln variant on protein structure and function do not predict a deleterious effect (SIFT: tolerated, PolyPhen-2: benign). Based on the available information, the clinical significance of the p.Arg274Gln variant cannot be determined with certainty.

Natera, Inc.
Classification: Uncertain significance for Myopathy, lactic acidosis, and sideroblastic anemia 1. Last evaluated: 2020-05-20. Review status: no assertion criteria provided. Collection method: clinical testing. Allele origin: germline. Not counted in ClinVar's aggregate classification.